The following is an entry in ClinVar:

ClinVar aggregate classification (germline): Uncertain significance (1 of 4 stars; one submission).

Conditions:
Primary ciliary dyskinesia. Also called: Ciliary dyskinesia. Identifiers: Orphanet 244, MedGen C0008780, MONDO:0016575, HP:0012265.

Allele frequency attached by ClinVar (database versions not stated): gnomAD 0.00001; TOPMed 0.00001; ExAC 0.00010.
gnomAD v4.1: 46 of 1,613,948 alleles (0.0029%); highest among the groups gnomAD compares: Admixed American, 0.012%; no homozygotes.

Submission:

Labcorp Genetics (formerly Invitae), Labcorp
Classification: Uncertain significance for Primary ciliary dyskinesia. Last evaluated: 2021-12-22. Review status: criteria provided, single submitter. Criteria: Invitae Variant Classification Sherloc (09022015). Collection method: clinical testing. Allele origin: germline.
Comment: This sequence change replaces arginine, which is basic and polar, with cysteine, which is neutral and slightly polar, at codon 631 of the DNAH5 protein (p.Arg631Cys). This variant is present in population databases (rs776400781, gnomAD 0.01%). This variant has not been reported in the literature in individuals affected with DNAH5-related conditions. Algorithms developed to predict the effect of missense changes on protein structure and function are either unavailable or do not agree on the potential impact of this missense change (SIFT: "Deleterious"; PolyPhen-2: "Possibly Damaging"; Align-GVGD: "Class C0"). In summary, the available evidence is currently insufficient to determine the role of this variant in disease. Therefore, it has been classified as a Variant of Uncertain Significance.

NM_001369.3(DNAH5):c.1891C>T (p.Arg631Cys)

Gene: DNAH5 (dynein axonemal heavy chain 5; minus strand). Cytogenetic location: 5p15.2.
Variant type: single nucleotide variant.
Coding change: c.1891C>T on transcript NM_001369.3 (MANE Select); coding-DNA position 1891, C replaced by T.
Protein change: p.Arg631Cys; replaces arginine 631 with cysteine.
Molecular consequence: missense variant.
Genome position (GRCh38, 1-based): chr5:13,901,413, G>A on the plus strand (C>T on the coding strand, the complement: DNAH5 is on the minus strand). VCF-style: chr5-13901413-G-A. GRCh37 (hg19) VCF-style: chr5-13901522-G-A.
Other names: short protein forms R631C.
Identifiers: ClinVar variation 2188290 (VCV002188290.1), dbSNP rs776400781, ClinGen allele CA3204720.